The following is an entry in ClinVar:

ClinVar aggregate classification (germline): Uncertain significance. Review status: criteria provided, multiple submitters, no conflicts (2 of 4 stars). 5 submissions from 5 submitters: Uncertain significance (2). 3 of the submissions do not count toward it. Last evaluated 2022-08-25.

Conditions:
Charcot-Marie-Tooth Neuropathy X. Identifiers: MedGen CN118851.

Submissions (5):

Labcorp Genetics (formerly Invitae), Labcorp
Classification: Uncertain significance for Charcot-Marie-Tooth Neuropathy X. Last evaluated: 2022-08-25. Review status: criteria provided, single submitter. Criteria: Invitae Variant Classification Sherloc (09022015). Collection method: clinical testing. Allele origin: germline.
Comment: In summary, the available evidence is currently insufficient to determine the role of this variant in disease. Therefore, it has been classified as a Variant of Uncertain Significance. Algorithms developed to predict the effect of missense changes on protein structure and function are either unavailable or do not agree on the potential impact of this missense change (SIFT: "Deleterious"; PolyPhen-2: "Benign"; Align-GVGD: "Class C0"). ClinVar contains an entry for this variant (Variation ID: 429615). This variant has not been reported in the literature in individuals affected with PRPS1-related conditions. This variant is not present in population databases (gnomAD no frequency). This sequence change replaces arginine, which is basic and polar, with histidine, which is basic and polar, at codon 260 of the PRPS1 protein (p.Arg260His).

GeneDx
Classification: Uncertain significance. Last evaluated: 2017-05-09. Review status: criteria provided, single submitter. Criteria: GeneDx Variant Classification (06012015). Collection method: clinical testing. Allele origin: germline. Affected: yes.
Comment: The R260H variant in the PRPS1 gene has not been reported previously as a pathogenic variant, nor as a benign variant, to our knowledge. The R260H variant is not observed in large population cohorts (Lek et al., 2016; 1000 Genomes Consortium et al., 2015; Exome Variant Server). The R260H variant is a conservative amino acid substitution, which is not likely to impact secondary protein structure as these residues share similar properties. This substitution occurs at a position that is conserved across species. In silico analysis is inconsistent in its predictions as to whether or not the variant is damaging to the protein structure/function. We interpret R260H as a variant of uncertain significance.

Clinical Genetics DNA and cytogenetics Diagnostics Lab, Erasmus MC, Erasmus Medical Center
Classification: Uncertain significance. Review status: no assertion criteria provided. Collection method: clinical testing. Allele origin: germline. Affected: yes. Study: VKGL Data-share Consensus. Not counted in ClinVar's aggregate classification.

Diagnostic Laboratory, Department of Genetics, University Medical Center Groningen
Classification: Uncertain significance. Review status: no assertion criteria provided. Collection method: clinical testing. Allele origin: germline. Affected: yes. Study: VKGL Data-share Consensus. Not counted in ClinVar's aggregate classification.

Joint Genome Diagnostic Labs from Nijmegen and Maastricht, Radboudumc and MUMC+
Classification: Uncertain significance. Review status: no assertion criteria provided. Collection method: clinical testing. Allele origin: germline. Affected: yes. Study: VKGL Data-share Consensus. Not counted in ClinVar's aggregate classification.

NM_002764.4(PRPS1):c.779G>A (p.Arg260His)

Gene: PRPS1 (phosphoribosyl pyrophosphate synthetase 1; plus strand). Cytogenetic location: Xq22.3.
Variant type: single nucleotide variant.
Coding change: c.779G>A on transcript NM_002764.4 (MANE Select); coding-DNA position 779, G replaced by A.
Protein change: p.Arg260His; replaces arginine 260 with histidine.
Molecular consequence: missense variant.
Genome position (GRCh38, 1-based): chrX:107,647,680, G>A. VCF-style: chrX-107647680-G-A. GRCh37 (hg19) VCF-style: chrX-106890910-G-A.
Other names: c.167G>A, p.Arg56His (NM_001204402.2); short protein forms R260H, R56H.
Identifiers: ClinVar variation 429615 (VCV000429615.20), dbSNP rs1131691495, ClinGen allele CA413814641.